The following is an entry in ClinVar:

NM_006565.4(CTCF):c.952+1G>T

Gene: CTCF (CCCTC-binding factor; plus strand). Cytogenetic location: 16q22.1.
Variant type: single nucleotide variant.
Coding change: c.952+1G>T on transcript NM_006565.4 (MANE Select); the canonical splice donor site of the intron after coding-DNA position 952, G replaced by T.
Molecular consequence: splice donor variant. On other transcripts: intron variant (1).
Genome position (GRCh38, 1-based): chr16:67,612,122, G>T. VCF-style: chr16-67612122-G-T. GRCh37 (hg19) VCF-style: chr16-67646025-G-T.
Other names: c.952+1G>T (NM_001438969.1, NM_001438968.1, NM_001363916.2); c.-32-4623G>T (NM_001191022.2).
Identifiers: ClinVar variation 4538457 (VCV004538457.1).

ClinVar aggregate classification (germline): Likely pathogenic (1 of 4 stars; one submission).

Conditions:
CTCF-related neurodevelopmental disorder. Also called: Intellectual disability-feeding difficulties-developmental delay-microcephaly syndrome; INTELLECTUAL DEVELOPMENTAL DISORDER, AUTOSOMAL DOMINANT 21. Identifiers: Orphanet 363611, MedGen C3809686, MONDO:0014213, OMIM 615502.

Submission:

Medical Genetics and Prenatal Diagnosis Center, Guangxi Academy of Medical Sciences and the People’s Hospital of Guangxi Zhuang Autonomous Region
Classification: Likely pathogenic for CTCF-related neurodevelopmental disorder. Last evaluated: 2025-11-01. Review status: criteria provided, single submitter. Criteria: ACMG Guidelines, 2015. Collection method: clinical testing. Allele origin: de novo. Affected: yes.
Comment: NM_006565.4(CTCF):c.952+1G>T is a splice site variant predicted to cause abnormal splicing, potentially affecting gene function (PVS1); In summary, based on the ACMG Guidelines, 2015 (PMID: 25741868), the above evidence supports this variant as a likely pathogenic variant for Intellectual developmental disorder, autosomal dominant 21. The classification is based on PVS1, PS2_Supporting, and PM2_Supporting.